The following is an entry in ClinVar:

ClinVar aggregate classification (germline): Uncertain significance. Review status: criteria provided, multiple submitters, no conflicts (2 of 4 stars). 2 submissions from 2 submitters: Uncertain significance (2). Last evaluated 2022-09-14.

Conditions:
Inborn genetic diseases. Identifiers: MedGen C0950123, MeSH D030342.
Spastic paraplegia. Identifiers: MedGen C0037772, HP:0001258.

Allele frequency attached by ClinVar (database versions not stated): TOPMed below 0.00001; gnomAD 0.00001; gnomAD exomes 0.00001.
gnomAD v4.1: 8 of 1,611,552 alleles (0.0005%); highest among the groups gnomAD compares: Non-Finnish European, 0.00068%; no homozygotes.

Submissions (2):

Ambry Genetics
Classification: Uncertain significance for Inborn genetic diseases. Last evaluated: 2022-09-14. Review status: criteria provided, single submitter. Criteria: Ambry Variant Classification Scheme 2023. Collection method: clinical testing. Allele origin: germline.

Labcorp Genetics (formerly Invitae), Labcorp
Classification: Uncertain significance for Spastic paraplegia. Last evaluated: 2021-11-17. Review status: criteria provided, single submitter. Criteria: Invitae Variant Classification Sherloc (09022015). Collection method: clinical testing. Allele origin: germline.
Comment: This variant has not been reported in the literature in individuals affected with SACS-related conditions. This variant is not present in population databases (gnomAD no frequency). This sequence change replaces leucine, which is neutral and non-polar, with phenylalanine, which is neutral and non-polar, at codon 1087 of the SACS protein (p.Leu1087Phe). In summary, the available evidence is currently insufficient to determine the role of this variant in disease. Therefore, it has been classified as a Variant of Uncertain Significance. Algorithms developed to predict the effect of sequence changes on RNA splicing suggest that this variant may create or strengthen a splice site. Advanced modeling of protein sequence and biophysical properties (such as structural, functional, and spatial information, amino acid conservation, physicochemical variation, residue mobility, and thermodynamic stability) performed at Invitae indicates that this missense variant is not expected to disrupt SACS protein function.

NM_014363.6(SACS):c.3261A>C (p.Leu1087Phe)

Gene: SACS (sacsin molecular chaperone; minus strand). Cytogenetic location: 13q12.12.
Variant type: single nucleotide variant.
Coding change: c.3261A>C on transcript NM_014363.6 (MANE Select); coding-DNA position 3261, A replaced by C.
Protein change: p.Leu1087Phe; replaces leucine 1087 with phenylalanine.
Molecular consequence: missense variant.
Genome position (GRCh38, 1-based): chr13:23,340,615, T>G on the plus strand (A>C on the coding strand, the complement: SACS is on the minus strand). VCF-style: chr13-23340615-T-G. GRCh37 (hg19) VCF-style: chr13-23914754-T-G.
Other names: c.2820A>C, p.Leu940Phe (NM_001278055.2); c.3261A>C (NM_014363.4); short protein forms L1087F, L940F.
Identifiers: ClinVar variation 1497525 (VCV001497525.7), dbSNP rs1417936142, ClinGen allele CA387536212.